The following is an entry in ClinVar:

NM_000051.4(ATM):c.1065G>A (p.Gln355=)

Gene: ATM (ATM serine/threonine kinase; plus strand). Cytogenetic location: 11q22.3.
Variant type: single nucleotide variant.
Coding change: c.1065G>A on transcript NM_000051.4 (MANE Select); coding-DNA position 1065, G replaced by A.
Protein change: p.Gln355=; no amino-acid change (glutamine 355 retained).
Molecular consequence: synonymous variant.
Genome position (GRCh38, 1-based): chr11:108,247,127, G>A. VCF-style: chr11-108247127-G-A. GRCh37 (hg19) VCF-style: chr11-108117854-G-A.
Other names: c.1065G>A, p.Gln355= (NM_001351834.2).
Identifiers: ClinVar variation 2034700 (VCV002034700.4), dbSNP rs2135269659, ClinGen allele CA476671582.

ClinVar aggregate classification (germline): Uncertain significance (1 of 4 stars; one submission).

Conditions:
Ataxia-telangiectasia syndrome (AT). Also called: Ataxia-telangiectasia, complementation group D; ATAXIA-TELANGIECTASIA, COMPLEMENTATION GROUP A; ATAXIA-TELANGIECTASIA, FRESNO VARIANT; Ataxia-telangiectasia; Ataxia telangiectasia (A-T); Cerebello-oculocutaneous telangiectasia. Identifiers: Orphanet 100, MedGen C0004135, MONDO:0008840, OMIM 208900.

Submission:

Labcorp Genetics (formerly Invitae), Labcorp
Classification: Uncertain significance for Ataxia-telangiectasia syndrome. Last evaluated: 2022-10-08. Review status: criteria provided, single submitter. Criteria: Invitae Variant Classification Sherloc (09022015). Collection method: clinical testing. Allele origin: germline.
Comment: This sequence change affects codon 355 of the ATM mRNA. It is a 'silent' change, meaning that it does not change the encoded amino acid sequence of the ATM protein. This variant also falls at the last nucleotide of exon 8, which is part of the consensus splice site for this exon. This variant is not present in population databases (gnomAD no frequency). This variant has not been reported in the literature in individuals affected with ATM-related conditions. Variants that disrupt the consensus splice site are a relatively common cause of aberrant splicing (PMID: 17576681, 9536098). Algorithms developed to predict the effect of sequence changes on RNA splicing suggest that this variant may disrupt the consensus splice site. In summary, the available evidence is currently insufficient to determine the role of this variant in disease. Therefore, it has been classified as a Variant of Uncertain Significance.

Literature cited by the submitters: PubMed 17576681; PubMed 9536098.